The following is an entry in ClinVar:

NM_133459.4(CCBE1):c.*2728A>G

Gene: CCBE1 (collagen and calcium binding EGF domains 1; minus strand). Cytogenetic location: 18q21.32.
Variant type: single nucleotide variant.
Coding change: c.*2728A>G on transcript NM_133459.4 (MANE Select); 2728 bases downstream of the stop codon, A replaced by G.
Molecular consequence: 3 prime UTR variant.
Genome position (GRCh38, 1-based): chr18:59,433,180, T>C on the plus strand (A>G on the coding strand, the complement: CCBE1 is on the minus strand). VCF-style: chr18-59433180-T-C. GRCh37 (hg19) VCF-style: chr18-57100412-T-C.
Identifiers: ClinVar variation 890731 (VCV000890731.28), dbSNP rs150355335, ClinGen allele CA301037830.

ClinVar aggregate classification (germline): Conflicting classifications of pathogenicity. Review status: criteria provided, conflicting classifications (1 of 4 stars). 2 submissions from 2 submitters: Uncertain significance (1); Likely benign (1). Last evaluated 2022-08-01.

Conditions:
Hennekam lymphangiectasia-lymphedema syndrome 1 (HKLLS1). Also called: LYMPHATIC DYSPLASIA, GENERALIZED. Identifiers: Orphanet 2136, MedGen C4012050, MONDO:0009337, OMIM 235510.

Allele frequency attached by ClinVar (database versions not stated): 1000 Genomes Project 0.00100; 1000 Genomes Project 30x 0.00125; TOPMed 0.00152; gnomAD 0.00162 and 0.00163.

Submissions (2):

CeGaT Center for Human Genetics Tuebingen
Classification: Likely benign. Last evaluated: 2022-08-01. Review status: criteria provided, single submitter. Criteria: CeGaT Center For Human Genetics Tuebingen Variant Classification Criteria Version 2. Collection method: clinical testing. Allele origin: germline. Affected: yes. Observed: 2 variant alleles.
Comment: CCBE1: BP4

Illumina Laboratory Services, Illumina
Classification: Uncertain significance for Hennekam lymphangiectasia-lymphedema syndrome 1. Last evaluated: 2018-01-13. Review status: criteria provided, single submitter. Criteria: ICSL Variant Classification Criteria 13 December 2019. Collection method: clinical testing. Allele origin: germline.